The following is an entry in ClinVar:

ClinVar aggregate classification (germline): Uncertain significance. Review status: criteria provided, multiple submitters, no conflicts (2 of 4 stars). 2 submissions from 2 submitters: Uncertain significance (2). Last evaluated 2022-06-11.

Conditions:
Catecholaminergic polymorphic ventricular tachycardia 1. Also called: VENTRICULAR TACHYCARDIA, CATECHOLAMINERGIC POLYMORPHIC, 1, WITH OR WITHOUT ATRIAL DYSFUNCTION AND/OR DILATED CARDIOMYOPATHY; VENTRICULAR TACHYCARDIA, STRESS-INDUCED POLYMORPHIC 1; RYR2-Related Catecholaminergic Polymorphic Ventricular Tachycardia. Identifiers: Orphanet 3286, MedGen C1631597, MONDO:0011484, OMIM 604772.

Allele frequency attached by ClinVar (database versions not stated): gnomAD exomes below 0.00001.
gnomAD v4.1: 1 of 1,608,552 alleles (0.000062%); highest among the groups gnomAD compares: Non-Finnish European, 0.000085%; no homozygotes.

Submissions (2):

Labcorp Genetics (formerly Invitae), Labcorp
Classification: Uncertain significance for Catecholaminergic polymorphic ventricular tachycardia 1. Last evaluated: 2022-06-11. Review status: criteria provided, single submitter. Criteria: Invitae Variant Classification Sherloc (09022015). Collection method: clinical testing. Allele origin: germline.
Comment: In summary, the available evidence is currently insufficient to determine the role of this variant in disease. Therefore, it has been classified as a Variant of Uncertain Significance. Algorithms developed to predict the effect of missense changes on protein structure and function are either unavailable or do not agree on the potential impact of this missense change (SIFT: "Deleterious"; PolyPhen-2: "Probably Damaging"; Align-GVGD: "Class C15"). This variant has not been reported in the literature in individuals affected with RYR2-related conditions. This variant is not present in population databases (gnomAD no frequency). This sequence change replaces aspartic acid, which is acidic and polar, with asparagine, which is neutral and polar, at codon 1023 of the RYR2 protein (p.Asp1023Asn).

GeneDx
Classification: Uncertain significance. Last evaluated: 2022-05-13. Review status: criteria provided, single submitter. Criteria: GeneDx Variant Classification Process June 2021. Collection method: clinical testing. Allele origin: germline. Affected: yes.
Comment: Not observed at significant frequency in large population cohorts (gnomAD); In silico analysis supports that this missense variant has a deleterious effect on protein structure/function; Not located in one of the three hot-spot regions of the RYR2 gene, where the majority of pathogenic missense variants occur (Medeiros-Domingo et al., 2009); Has not been previously published as pathogenic or benign to our knowledge

NM_001035.3(RYR2):c.3067G>A (p.Asp1023Asn)

Gene: RYR2 (ryanodine receptor 2; plus strand). Cytogenetic location: 1q43.
Variant type: single nucleotide variant.
Coding change: c.3067G>A on transcript NM_001035.3 (MANE Select); coding-DNA position 3067, G replaced by A.
Protein change: p.Asp1023Asn; replaces aspartic acid 1023 with asparagine.
Molecular consequence: missense variant.
Genome position (GRCh38, 1-based): chr1:237,550,544, G>A. VCF-style: chr1-237550544-G-A. GRCh37 (hg19) VCF-style: chr1-237713844-G-A.
Other names: short protein forms D1023N.
Identifiers: ClinVar variation 1723785 (VCV001723785.7), dbSNP rs2546296128, ClinGen allele CA345394429.